The following is an entry in ClinVar:

NM_152468.5(TMC8):c.1533+5C>G

Genes: TMC8 (transmembrane channel like 8; plus strand), LOC130061795 (ATAC-STARR-seq lymphoblastoid active region 12864; plus strand). Cytogenetic location: 17q25.3.
Variant type: single nucleotide variant.
Coding change: c.1533+5C>G on transcript NM_152468.5 (MANE Select); 5 bases into the intron after coding-DNA position 1533, C replaced by G.
Molecular consequence: intron variant.
Genome position (GRCh38, 1-based): chr17:78,138,193, C>G. VCF-style: chr17-78138193-C-G. GRCh37 (hg19) VCF-style: chr17-76134274-C-G.
Identifiers: ClinVar variation 1045087 (VCV001045087.9), dbSNP rs201383384, ClinGen allele CA2276817920.

ClinVar aggregate classification (germline): Uncertain significance (1 of 4 stars; one submission).

Conditions:
Epidermodysplasia verruciformis. Identifiers: Orphanet 302, MedGen C0014522, MONDO:0009176.

Submission:

Labcorp Genetics (formerly Invitae), Labcorp
Classification: Uncertain significance for Epidermodysplasia verruciformis. Last evaluated: 2020-03-04. Review status: criteria provided, single submitter. Criteria: Invitae Variant Classification Sherloc (09022015). Collection method: clinical testing. Allele origin: germline.
Comment: This sequence change falls in intron 12 of the TMC8 gene. It does not directly change the encoded amino acid sequence of the TMC8 protein, but it affects a nucleotide within the consensus splice site of the intron. This variant is not present in population databases (ExAC no frequency). This variant has not been reported in the literature in individuals with TMC8-related conditions. Nucleotide substitutions within the consensus splice site are a relatively common cause of aberrant splicing (PMID: 17576681, 9536098). Algorithms developed to predict the effect of sequence changes on RNA splicing suggest that this variant may create or strengthen a splice site, but this prediction has not been confirmed by published transcriptional studies. In summary, the available evidence is currently insufficient to determine the role of this variant in disease. Therefore, it has been classified as a Variant of Uncertain Significance.

Literature cited by the submitters: PubMed 17576681; PubMed 9536098.